The following is an entry in ClinVar:

NM_006031.6(PCNT):c.181A>G (p.Ser61Gly)

Gene: PCNT (pericentrin; plus strand). Cytogenetic location: 21q22.3.
Variant type: single nucleotide variant.
Coding change: c.181A>G on transcript NM_006031.6 (MANE Select); coding-DNA position 181, A replaced by G.
Protein change: p.Ser61Gly; replaces serine 61 with glycine.
Molecular consequence: missense variant. On other transcripts: 5 prime UTR variant (1).
Genome position (GRCh38, 1-based): chr21:46,326,503, A>G. VCF-style: chr21-46326503-A-G. GRCh37 (hg19) VCF-style: chr21-47746417-A-G.
Other names: c.-174A>G (NM_001315529.2); short protein forms S61G.
Identifiers: ClinVar variation 4978970 (VCV004978970.1).

ClinVar aggregate classification (germline): Uncertain significance (1 of 4 stars; one submission).

Conditions:
PCNT-related disorder. Also called: PCNT-related condition.

gnomAD v4.1: 2 of 1,614,236 alleles (0.00012%); highest among the groups gnomAD compares: Admixed American, 0.0017%; no homozygotes.

Submission:

PreventionGenetics, part of Exact Sciences
Classification: Uncertain significance for PCNT-related condition. Last evaluated: 2026-07-06. Review status: criteria provided, single submitter. Criteria: ACMG Guidelines, 2015. Collection method: clinical testing. Allele origin: germline.
Comment: The PCNT c.181A>G variant is predicted to result in the amino acid substitution p.Ser61Gly. To our knowledge, this variant has not been reported in the literature. This variant is reported in 0.0065% of alleles in individuals of European (Non-Finnish) descent in gnomAD. At this time, the clinical significance of this variant is uncertain due to the absence of conclusive functional and genetic evidence.